The following is an entry in ClinVar:

NM_024577.4(SH3TC2):c.1205T>C (p.Val402Ala)

Gene: SH3TC2 (SH3 domain and tetratricopeptide repeats 2; minus strand). Cytogenetic location: 5q32.
Variant type: single nucleotide variant.
Coding change: c.1205T>C on transcript NM_024577.4 (MANE Select); coding-DNA position 1205, T replaced by C.
Protein change: p.Val402Ala; replaces valine 402 with alanine.
Molecular consequence: missense variant.
Genome position (GRCh38, 1-based): chr5:149,028,527, A>G on the plus strand (T>C on the coding strand, the complement: SH3TC2 is on the minus strand). VCF-style: chr5-149028527-A-G. GRCh37 (hg19) VCF-style: chr5-148408090-A-G.
Other names: short protein forms V402A.
Identifiers: ClinVar variation 1997896 (VCV001997896.4), dbSNP rs2531774718, ClinGen allele CA361669558.

ClinVar aggregate classification (germline): Uncertain significance (1 of 4 stars; one submission).

Conditions:
Charcot-Marie-Tooth disease type 4. Also called: Charcot-Marie-Tooth disease, type IV; Charcot-Marie-Tooth, Type 4. Identifiers: Orphanet 64749, MedGen C4082197, MONDO:0018995.

Allele frequency attached by ClinVar (database versions not stated): gnomAD exomes below 0.00001.
gnomAD v4.1: 2 of 1,613,920 alleles (0.00012%); highest among the groups gnomAD compares: Non-Finnish European, 0.00017%; no homozygotes.

Submission:

Labcorp Genetics (formerly Invitae), Labcorp
Classification: Uncertain significance for Charcot-Marie-Tooth disease type 4. Last evaluated: 2022-05-22. Review status: criteria provided, single submitter. Criteria: Invitae Variant Classification Sherloc (09022015). Collection method: clinical testing. Allele origin: germline.
Comment: In summary, the available evidence is currently insufficient to determine the role of this variant in disease. Therefore, it has been classified as a Variant of Uncertain Significance. Advanced modeling of protein sequence and biophysical properties (such as structural, functional, and spatial information, amino acid conservation, physicochemical variation, residue mobility, and thermodynamic stability) performed at Invitae indicates that this missense variant is not expected to disrupt SH3TC2 protein function. This variant has not been reported in the literature in individuals affected with SH3TC2-related conditions. This variant is not present in population databases (gnomAD no frequency). This sequence change replaces valine, which is neutral and non-polar, with alanine, which is neutral and non-polar, at codon 402 of the SH3TC2 protein (p.Val402Ala).